The following is an entry in ClinVar:

NM_003246.4(THBS1):c.143T>A (p.Leu48Gln)

Gene: THBS1 (thrombospondin 1; plus strand). Cytogenetic location: 15q14.
Variant type: single nucleotide variant.
Coding change: c.143T>A on transcript NM_003246.4 (MANE Select); coding-DNA position 143, T replaced by A.
Protein change: p.Leu48Gln; replaces leucine 48 with glutamine.
Molecular consequence: missense variant.
Genome position (GRCh38, 1-based): chr15:39,582,268, T>A. VCF-style: chr15-39582268-T-A. GRCh37 (hg19) VCF-style: chr15-39874469-T-A.
Other names: c.143T>A (NM_003246.2); short protein forms L48Q.
Identifiers: ClinVar variation 3353703 (VCV003353703.2).
Genomic context (GRCh38, chr15:39,582,268, plus strand): 5'-ACAGCGTGTTTGACATCTTTGAACTCACCGGGGCCGCCCGCAAGGGGTCTGGGCGCCGAC[T>A]GGTGAAGGGCCCCGACCCTTCCAGCCCAGCTTTCCGCATCGAGGATGCCAACCTGATCCC-3'
Protein context (NP_003237.2, residues 38-58): GAARKGSGRR[Leu48Gln]VKGPDPSSPA

ClinVar aggregate classification (germline): Uncertain significance. Review status: criteria provided, single submitter (1 of 4 stars). 2 submissions from 2 submitters: Uncertain significance (1). 1 of the submissions does not count toward it. Last evaluated 2026-06-04.

Conditions:
THBS1-related disorder. Also called: THBS1-related condition.

gnomAD v4.1: 2 of 1,614,162 alleles (0.00012%); highest among the groups gnomAD compares: Admixed American, 0.0033%; no homozygotes.

Submissions (2):

Ambry Genetics
Classification: Uncertain significance. Last evaluated: 2026-06-04. Review status: criteria provided, single submitter. Criteria: Ambry Variant Classification Scheme 2023. Collection method: clinical testing. Allele origin: germline.
Comment: The c.143T>A (p.L48Q) alteration is located in exon 3 (coding exon 2) of the THBS1 gene. This alteration results from a T to A substitution at nucleotide position 143, causing the leucine (L) at amino acid position 48 to be replaced by a glutamine (Q). Based on data from gnomAD, the A allele has an overall frequency of 0.001% (2/251254) total alleles studied. The highest observed frequency was 0.006% (2/34586) of Latino alleles. Based on insufficient or conflicting evidence, the clinical significance of this alteration remains unclear.

PreventionGenetics, part of Exact Sciences
Classification: Uncertain significance for THBS1-related condition. Last evaluated: 2024-08-26. Review status: no assertion criteria provided. Collection method: clinical testing. Allele origin: germline. Not counted in ClinVar's aggregate classification.
Comment: The THBS1 c.143T>A variant is predicted to result in the amino acid substitution p.Leu48Gln. To our knowledge, this variant has not been reported in the literature. This variant is reported in 0.0058% of alleles in individuals of Latino descent in gnomAD. At this time, the clinical significance of this variant is uncertain due to the absence of conclusive functional and genetic evidence.